The following is an entry in ClinVar:

NM_001081.4(CUBN):c.5701G>T (p.Glu1901Ter)

Gene: CUBN (cubilin; minus strand). Cytogenetic location: 10p13.
Variant type: single nucleotide variant.
Coding change: c.5701G>T on transcript NM_001081.4 (MANE Select); coding-DNA position 5701, G replaced by T.
Protein change: p.Glu1901Ter; replaces glutamic acid 1901 with a stop codon.
Molecular consequence: nonsense.
Genome position (GRCh38, 1-based): chr10:16,938,995, C>A on the plus strand (G>T on the coding strand, the complement: CUBN is on the minus strand). VCF-style: chr10-16938995-C-A. GRCh37 (hg19) VCF-style: chr10-16980994-C-A.
Other names: short protein forms E1901*.
Identifiers: ClinVar variation 2032699 (VCV002032699.4), dbSNP rs2491536970, ClinGen allele CA376155936.
Genomic context (GRCh38, chr10:16,938,995, plus strand): 5'-TGAACATTGATTGCATGTGGAAACTCACCCTTAATTTGTCATAATAGCAGTTTTGTATTT[C>A]TTCTATGTCCATCTCCAAGATTCTACCATGGACAACGTGAGATGCATTCACATTTACTGT-3'

ClinVar aggregate classification (germline): Pathogenic (1 of 4 stars; one submission).

Conditions:
Imerslund-Grasbeck syndrome. Also called: Imerslund-Gräsbeck syndrome; ENTEROCYTE COBALAMIN MALABSORPTION; ENTEROCYTE INTRINSIC FACTOR RECEPTOR, DEFECT OF; PERNICIOUS ANEMIA, JUVENILE, DUE TO SELECTIVE INTESTINAL MALABSORPTION OF VITAMIN B12, WITH PROTEINURIA; Megaloblastic anemia due to inborn errors of metabolism. Identifiers: Orphanet 35858, MedGen C4551825, MONDO:0009853.

Submission:

Labcorp Genetics (formerly Invitae), Labcorp
Classification: Pathogenic for Imerslund-Grasbeck syndrome. Last evaluated: 2023-08-01. Review status: criteria provided, single submitter. Criteria: Invitae Variant Classification Sherloc (09022015). Collection method: clinical testing. Allele origin: germline.
Comment: For these reasons, this variant has been classified as Pathogenic. ClinVar contains an entry for this variant (Variation ID: 2032699). This variant has not been reported in the literature in individuals affected with CUBN-related conditions. This variant is not present in population databases (gnomAD no frequency). This sequence change creates a premature translational stop signal (p.Glu1901*) in the CUBN gene. It is expected to result in an absent or disrupted protein product. Loss-of-function variants in CUBN are known to be pathogenic (PMID: 15024727, 22929189, 25349199, 34979989).

Literature cited by the submitters: PubMed 15024727; PubMed 22929189; PubMed 25349199; PubMed 34979989.